The following is an entry in ClinVar:

ClinVar aggregate classification (germline): Conflicting classifications of pathogenicity. Review status: criteria provided, conflicting classifications (1 of 4 stars). 3 submissions from 3 submitters: Uncertain significance (2); Likely benign (1). Last evaluated 2025-06-01.

Conditions:
Noonan syndrome (NS). Also called: Noonan's syndrome. Identifiers: Orphanet 648, MedGen C0028326, MeSH D009634, MONDO:0018997. Disease mechanism: gain of function.

Allele frequency attached by ClinVar (database versions not stated): gnomAD 0.00003; TOPMed 0.00002.

Submissions (3):

GeNE CliniK, Regional Hospital Limbe
Classification: Likely benign for Noonan syndrome. Last evaluated: 2025-06-01. Review status: criteria provided, single submitter. Criteria: ACMG Guidelines, 2015. Collection method: research. Allele origin: paternal. Inheritance: Autosomal dominant inheritance. Affected: no.
Comment: The NM_006270.5(RRAS):c.649C>G (p.Leu217Val) variant is a missense change that results in the substitution of leucine with valine at codon 217. This residue change involves two amino acids with similar physicochemical properties, and in silico prediction tools suggest no significant impact on protein function (BP4). The variant is present at a very low frequency in population databases (gnomAD exome MAF: 2.32 × 10⁻⁶; gnomAD genome MAF: 2.63 × 10⁻⁵), consistent with a rare polymorphism. Based on current evidence, this variant is classified as likely benign.

Ambry Genetics
Classification: Uncertain significance. Last evaluated: 2024-12-07. Review status: criteria provided, single submitter. Criteria: Ambry Variant Classification Scheme 2023. Collection method: clinical testing. Allele origin: germline.
Comment: The p.L217V variant (also known as c.649C>G), located in coding exon 6 of the RRAS gene, results from a C to G substitution at nucleotide position 649. The leucine at codon 217 is replaced by valine, an amino acid with highly similar properties. This amino acid position is conserved. In addition, this alteration is predicted to be tolerated by in silico analysis. Based on the available evidence, the clinical significance of this variant remains unclear.

Labcorp Genetics (formerly Invitae), Labcorp
Classification: Uncertain significance for Noonan syndrome. Last evaluated: 2018-06-26. Review status: criteria provided, single submitter. Criteria: Invitae Variant Classification Sherloc (09022015). Collection method: clinical testing. Allele origin: germline.
Comment: Algorithms developed to predict the effect of missense changes on protein structure and function output the following: SIFT: "Tolerated"; PolyPhen-2: "Benign"; Align-GVGD: "Class C0". The valine amino acid residue is found in multiple mammalian species, suggesting that this missense change does not adversely affect protein function. These predictions have not been confirmed by published functional studies and their clinical significance is uncertain. This variant has not been reported in the literature in individuals with RRAS-related disease. This variant is not present in population databases (ExAC no frequency). This sequence change replaces leucine with valine at codon 217 of the RRAS protein (p.Leu217Val). The leucine residue is moderately conserved and there is a small physicochemical difference between leucine and valine. In summary, the available evidence is currently insufficient to determine the role of this variant in disease. Therefore, it has been classified as a Variant of Uncertain Significance.

NM_006270.5(RRAS):c.649C>G (p.Leu217Val)

Gene: RRAS (RAS related; minus strand). Cytogenetic location: 19q13.33.
Variant type: single nucleotide variant.
Coding change: c.649C>G on transcript NM_006270.5 (MANE Select); coding-DNA position 649, C replaced by G.
Protein change: p.Leu217Val; replaces leucine 217 with valine.
Molecular consequence: missense variant.
Genome position (GRCh38, 1-based): chr19:49,635,584, G>C on the plus strand (C>G on the coding strand, the complement: RRAS is on the minus strand). VCF-style: chr19-49635584-G-C. GRCh37 (hg19) VCF-style: chr19-50138841-G-C.
Other names: c.649C>G (NM_006270.3); short protein forms L217V.
Identifiers: ClinVar variation 565489 (VCV000565489.9), dbSNP rs988964363, ClinGen allele CA309504625.
Genomic context (GRCh38, chr19:49,635,584, plus strand): 5'-CGAAGGCAGCTAGTCCCGAGAGCTTGTGGTGGTTGCTTCTCTCTTGCCTGGGCTACAGGA[G>C]GACGCAGGGGCAGCCCCCGCCCTTCTTCCTGGGGGCACTGGGAGGGCTCGGTGGGAGCTC-3'
Protein context (NP_006261.1, residues 207-218): RKKGGGCPCV[Leu217Val]L